The following is an entry in ClinVar:

NM_000038.6(APC):c.4279C>T (p.Pro1427Ser)

Gene: APC (APC regulator of Wnt signaling pathway; plus strand). Cytogenetic location: 5q22.2.
Variant type: single nucleotide variant.
Coding change: c.4279C>T on transcript NM_000038.6 (MANE Select); coding-DNA position 4279, C replaced by T.
Protein change: p.Pro1427Ser; replaces proline 1427 with serine.
Molecular consequence: missense variant.
Genome position (GRCh38, 1-based): chr5:112,839,873, C>T. VCF-style: chr5-112839873-C-T. GRCh37 (hg19) VCF-style: chr5-112175570-C-T.
Other names: c.4279C>T, p.Pro1427Ser (NM_001127510.3, NM_001354895.2); c.4225C>T, p.Pro1409Ser (NM_001127511.3); c.4333C>T, p.Pro1445Ser (NM_001354896.2); c.4309C>T, p.Pro1437Ser (NM_001354897.2); c.4204C>T, p.Pro1402Ser (NM_001354898.2); c.4195C>T, p.Pro1399Ser (NM_001354899.2); c.4156C>T, p.Pro1386Ser (NM_001354900.2); c.4102C>T, p.Pro1368Ser (NM_001354901.2); and 5 more; short protein forms P1301S, P1399S, P1144S, P1267S, P1368S, P1386S, P1445S, P1326S.
Identifiers: ClinVar variation 933584 (VCV000933584.12), dbSNP rs876658499, ClinGen allele CA16030709.

ClinVar aggregate classification (germline): Uncertain significance. Review status: criteria provided, multiple submitters, no conflicts (2 of 4 stars). 2 submissions from 2 submitters: Uncertain significance (2). Last evaluated 2023-07-19.

Conditions:
Classic or attenuated familial adenomatous polyposis. Identifiers: MedGen CN372698, MONDO:0021057.
Familial adenomatous polyposis 1 (FAP1). Also called: POLYPOSIS, ADENOMATOUS INTESTINAL; FAMILIAL ADENOMATOUS POLYPOSIS 1, ATTENUATED. Identifiers: MedGen C2713442, MONDO:0021056, OMIM 175100. Disease mechanism: loss of function.

Submissions (2):

All of Us Research Program, National Institutes of Health
Classification: Uncertain significance for Classic or attenuated familial adenomatous polyposis. Last evaluated: 2023-07-19. Review status: criteria provided, single submitter. Criteria: ACMG Guidelines, 2015. Collection method: clinical testing. Allele origin: germline. Inheritance: Autosomal dominant inheritance. Observed: 1 variant allele, 1 heterozygote.
Comment: This missense variant replaces proline with serine at codon 1427 of the APC protein. Computational prediction is inconclusive regarding the impact of this variant on protein structure and function (internally defined REVEL score threshold 0.5 < inconclusive < 0.7, PMID: 27666373). To our knowledge, functional studies have not been reported for this variant. This variant has not been reported in individuals affected with APC-related disorders in the literature. This variant has not been identified in the general population by the Genome Aggregation Database (gnomAD). The available evidence is insufficient to determine the role of this variant in disease conclusively. Therefore, this variant is classified as a Variant of Uncertain Significance.

This study involves interpretation of variants in research participants for the purpose of population health screening. Participant phenotype was not available at the time of variant classification. Additional details can be found in publication PMID: 35346344, PMCID: PMC8962531

Labcorp Genetics (formerly Invitae), Labcorp
Classification: Uncertain significance for Familial adenomatous polyposis 1. Last evaluated: 2020-08-17. Review status: criteria provided, single submitter. Criteria: Invitae Variant Classification Sherloc (09022015). Collection method: clinical testing. Allele origin: germline.
Comment: This sequence change replaces proline with serine at codon 1427 of the APC protein (p.Pro1427Ser). The proline residue is highly conserved and there is a moderate physicochemical difference between proline and serine. This variant is not present in population databases (ExAC no frequency). This variant has not been reported in the literature in individuals with APC-related conditions. Algorithms developed to predict the effect of missense changes on protein structure and function are either unavailable or do not agree on the potential impact of this missense change (SIFT: "Tolerated"; PolyPhen-2: "Probably Damaging"; Align-GVGD: "Class C0"). In summary, the available evidence is currently insufficient to determine the role of this variant in disease. Therefore, it has been classified as a Variant of Uncertain Significance.